The following is an entry in ClinVar:

NM_002067.5(GNA11):c.561C>T (p.Thr187=)

Gene: GNA11 (G protein subunit alpha 11; plus strand). Cytogenetic location: 19p13.3.
Variant type: single nucleotide variant.
Coding change: c.561C>T on transcript NM_002067.5 (MANE Select); coding-DNA position 561, C replaced by T.
Protein change: p.Thr187=; no amino-acid change (threonine 187 retained).
Molecular consequence: synonymous variant.
Genome position (GRCh38, 1-based): chr19:3,115,028, C>T. VCF-style: chr19-3115028-C-T. GRCh37 (hg19) VCF-style: chr19-3115026-C-T.
Identifiers: ClinVar variation 1579408 (VCV001579408.34), dbSNP rs571070788, ClinGen allele CA9074910.

ClinVar aggregate classification (germline): Likely benign. Review status: criteria provided, multiple submitters, no conflicts (2 of 4 stars). 2 submissions from 2 submitters: Likely benign (2). Last evaluated 2025-02-28.

Allele frequency attached by ClinVar (database versions not stated): gnomAD 0.00002 and 0.00003; gnomAD exomes 0.00002 and 0.00003; TOPMed 0.00003; ExAC 0.00006.
gnomAD v4.1: 33 of 1,613,358 alleles (0.002%); highest among the groups gnomAD compares: Non-Finnish European, 0.0026%; no homozygotes.

Submissions (2):

Labcorp Genetics (formerly Invitae), Labcorp
Classification: Likely benign. Last evaluated: 2025-02-28. Review status: criteria provided, single submitter. Criteria: Invitae Variant Classification Sherloc (09022015). Collection method: clinical testing. Allele origin: germline.

CeGaT Center for Human Genetics Tuebingen
Classification: Likely benign. Last evaluated: 2023-04-01. Review status: criteria provided, single submitter. Criteria: CeGaT Center For Human Genetics Tuebingen Variant Classification Criteria Version 2. Collection method: clinical testing. Allele origin: germline. Affected: yes. Observed: 1 variant allele.
Comment: GNA11: BP4, BP7